The following is an entry in ClinVar:

ClinVar aggregate classification (germline): Uncertain significance (1 of 4 stars; one submission).

Conditions:
DYRK1A-related intellectual disability syndrome (MRD7). Also called: Intellectual developmental disorder, autosomal dominant 7; DYRK1A Syndrome. Identifiers: Orphanet 464306, MedGen C5568143, MONDO:0013578, OMIM 614104.

Submission:

Labcorp Genetics (formerly Invitae), Labcorp
Classification: Uncertain significance for DYRK1A-related intellectual disability syndrome. Last evaluated: 2024-09-12. Review status: criteria provided, single submitter. Criteria: Invitae Variant Classification Sherloc (09022015). Collection method: clinical testing. Allele origin: germline.
Comment: This sequence change replaces leucine, which is neutral and non-polar, with proline, which is neutral and non-polar, at codon 66 of the DYRK1A protein (p.Leu66Pro). This variant is not present in population databases (gnomAD no frequency). This variant has not been reported in the literature in individuals affected with DYRK1A-related conditions. Invitae Evidence Modeling of protein sequence and biophysical properties (such as structural, functional, and spatial information, amino acid conservation, physicochemical variation, residue mobility, and thermodynamic stability) indicates that this missense variant is not expected to disrupt DYRK1A protein function with a negative predictive value of 95%. In summary, the available evidence is currently insufficient to determine the role of this variant in disease. Therefore, it has been classified as a Variant of Uncertain Significance.

NM_001347721.2(DYRK1A):c.197T>C (p.Leu66Pro)

Gene: DYRK1A (dual specificity tyrosine phosphorylation regulated kinase 1A; plus strand). Cytogenetic location: 21q22.13.
Variant type: single nucleotide variant.
Coding change: c.197T>C on transcript NM_001347721.2 (MANE Select); coding-DNA position 197, T replaced by C.
Protein change: p.Leu66Pro; replaces leucine 66 with proline.
Molecular consequence: missense variant.
Genome position (GRCh38, 1-based): chr21:37,472,870, T>C. VCF-style: chr21-37472870-T-C. GRCh37 (hg19) VCF-style: chr21-38845172-T-C.
Other names: c.197T>C, p.Leu66Pro (NM_001347722.2, NM_001396.5, NM_101395.2 and 2 more transcripts); c.110T>C, p.Leu37Pro (NM_001347723.2); short protein forms L37P, L66P.
Identifiers: ClinVar variation 3626228 (VCV003626228.2).